The following is an entry in ClinVar:

NM_145178.4(ATOH7):c.211G>C (p.Gly71Arg)

Gene: ATOH7 (atonal bHLH transcription factor 7; minus strand). Cytogenetic location: 10q21.3.
Variant type: single nucleotide variant.
Coding change: c.211G>C on transcript NM_145178.4 (MANE Select); coding-DNA position 211, G replaced by C.
Protein change: p.Gly71Arg; replaces glycine 71 with arginine.
Molecular consequence: missense variant.
Genome position (GRCh38, 1-based): chr10:68,231,467, C>G on the plus strand (G>C on the coding strand, the complement: ATOH7 is on the minus strand). VCF-style: chr10-68231467-C-G. GRCh37 (hg19) VCF-style: chr10-69991224-C-G.
Other names: short protein forms G71R.
Identifiers: ClinVar variation 1518238 (VCV001518238.8), dbSNP rs2134380488, ClinGen allele CA376836688.

ClinVar aggregate classification (germline): Uncertain significance (1 of 4 stars; one submission).

Submission:

Labcorp Genetics (formerly Invitae), Labcorp
Classification: Uncertain significance. Last evaluated: 2021-03-22. Review status: criteria provided, single submitter. Criteria: Invitae Variant Classification Sherloc (09022015). Collection method: clinical testing. Allele origin: germline.
Comment: In summary, the available evidence is currently insufficient to determine the role of this variant in disease. Therefore, it has been classified as a Variant of Uncertain Significance. Algorithms developed to predict the effect of missense changes on protein structure and function (SIFT, PolyPhen-2, Align-GVGD) all suggest that this variant is likely to be disruptive, but these predictions have not been confirmed by published functional studies and their clinical significance is uncertain. This variant has not been reported in the literature in individuals with ATOH7-related conditions. This variant is not present in population databases (ExAC no frequency). This sequence change replaces glycine with arginine at codon 71 of the ATOH7 protein (p.Gly71Arg). The glycine residue is highly conserved and there is a moderate physicochemical difference between glycine and arginine.